The following is an entry in ClinVar:

NM_004946.3(DOCK2):c.4517A>G (p.Asn1506Ser)

Gene: DOCK2 (dedicator of cytokinesis 2; plus strand). Cytogenetic location: 5q35.1.
Variant type: single nucleotide variant.
Coding change: c.4517A>G on transcript NM_004946.3 (MANE Select); coding-DNA position 4517, A replaced by G.
Protein change: p.Asn1506Ser; replaces asparagine 1506 with serine.
Molecular consequence: missense variant. On other transcripts: non-coding transcript variant (1).
Genome position (GRCh38, 1-based): chr5:170,067,559, A>G. VCF-style: chr5-170067559-A-G. GRCh37 (hg19) VCF-style: chr5-169494563-A-G.
Other names: short protein forms N1506S.
Identifiers: ClinVar variation 835441 (VCV000835441.10), dbSNP rs755601163, ClinGen allele CA3554581.

ClinVar aggregate classification (germline): Uncertain significance. Review status: criteria provided, multiple submitters, no conflicts (2 of 4 stars). 4 submissions from 4 submitters: Uncertain significance (4). Last evaluated 2023-07-13.

Conditions:
DOCK2 deficiency. Also called: Immunodeficiency 40. Identifiers: Orphanet 447737, MedGen C4225328, MONDO:0014637, OMIM 616433.

Allele frequency attached by ClinVar (database versions not stated): ExAC 0.00002; gnomAD 0.00002 and 0.00003; gnomAD exomes 0.00002; TOPMed 0.00003.
gnomAD v4.1: 27 of 1,614,204 alleles (0.0017%); highest among the groups gnomAD compares: Middle Eastern, 0.25%; no homozygotes.

Submissions (4):

Blueprint Genetics
Classification: Uncertain significance. Last evaluated: 2023-07-13. Review status: criteria provided, single submitter. Criteria: ACMG Guidelines, 2015. Collection method: clinical testing. Allele origin: germline.

Labcorp Genetics (formerly Invitae), Labcorp
Classification: Uncertain significance for DOCK2 deficiency. Last evaluated: 2022-07-06. Review status: criteria provided, single submitter. Criteria: Invitae Variant Classification Sherloc (09022015). Collection method: clinical testing. Allele origin: germline.
Comment: ClinVar contains an entry for this variant (Variation ID: 835441). This sequence change replaces asparagine, which is neutral and polar, with serine, which is neutral and polar, at codon 1506 of the DOCK2 protein (p.Asn1506Ser). This variant is present in population databases (rs755601163, gnomAD 0.01%). This variant has not been reported in the literature in individuals affected with DOCK2-related conditions. Algorithms developed to predict the effect of missense changes on protein structure and function are either unavailable or do not agree on the potential impact of this missense change (SIFT: "Tolerated"; PolyPhen-2: "Probably Damaging"; Align-GVGD: "Class C0"). Algorithms developed to predict the effect of sequence changes on RNA splicing suggest that this variant may create or strengthen a splice site. In summary, the available evidence is currently insufficient to determine the role of this variant in disease. Therefore, it has been classified as a Variant of Uncertain Significance.

Baylor Genetics
Classification: Uncertain significance for DOCK2 deficiency. Last evaluated: 2019-11-20. Review status: criteria provided, single submitter. Criteria: ACMG Guidelines, 2015. Collection method: clinical testing. Allele origin: unknown. Affected: yes.
Comment: This variant was determined to be of uncertain significance according to ACMG Guidelines, 2015 [PMID:25741868].

Breakthrough Genomics
Classification: Uncertain significance. Review status: criteria provided, single submitter. Criteria: ACMG Guidelines, 2015. Collection method: not provided. Allele origin: germline. Inheritance: Autosomal recessive inheritance. Affected: yes.